The following is an entry in ClinVar:

NM_024408.4(NOTCH2):c.2365+17A>G

Gene: NOTCH2 (notch receptor 2; minus strand). Cytogenetic location: 1p12.
Variant type: single nucleotide variant.
Coding change: c.2365+17A>G on transcript NM_024408.4 (MANE Select); 17 bases into the intron after coding-DNA position 2365, A replaced by G.
Molecular consequence: intron variant.
Genome position (GRCh38, 1-based): chr1:119,953,526, T>C on the plus strand (A>G on the coding strand, the complement: NOTCH2 is on the minus strand). VCF-style: chr1-119953526-T-C. GRCh37 (hg19) VCF-style: chr1-120496149-T-C.
Other names: c.2365+17A>G (NM_001200001.2).
Identifiers: ClinVar variation 2803979 (VCV002803979.3), dbSNP rs2526251820, ClinGen allele CA2647412338.
Genomic context (GRCh38, chr1:119,953,526, plus strand): 5'-ACTAAGAAGTGAGTCAAGCAGTATGCAACAACAAGAAGACAAAGAGCAGACGCAGAAAGA[T>C]GTACTTTTGTTTTCACCTTTAAAGCCCTTCTTGCAAGTACACCTGTATCCATTCACCAGA-3'

ClinVar aggregate classification (germline): Uncertain significance (1 of 4 stars; one submission).

Conditions:
Hajdu-Cheney syndrome (HJCYS). Also called: Acroosteolysis dominant type; ACROOSTEOLYSIS WITH OSTEOPOROSIS AND CHANGES IN SKULL AND MANDIBLE; SERPENTINE FIBULA-POLYCYSTIC KIDNEY SYNDROME. Identifiers: Orphanet 955, MedGen C0917715, MONDO:0007057, OMIM 102500.

Allele frequency attached by ClinVar (database versions not stated): gnomAD exomes below 0.00001.
gnomAD v4.1: 4 of 1,613,778 alleles (0.00025%); highest among the groups gnomAD compares: Non-Finnish European, 0.00034%; no homozygotes.

Submission:

Labcorp Genetics (formerly Invitae), Labcorp
Classification: Uncertain significance for Hajdu-Cheney syndrome. Last evaluated: 2023-03-08. Review status: criteria provided, single submitter. Criteria: Invitae Variant Classification Sherloc (09022015). Collection method: clinical testing. Allele origin: germline.
Comment: This sequence change falls in intron 14 of the NOTCH2 gene. It does not directly change the encoded amino acid sequence of the NOTCH2 protein. This variant is not present in population databases (gnomAD no frequency). This variant has not been reported in the literature in individuals affected with NOTCH2-related conditions. Algorithms developed to predict the effect of sequence changes on RNA splicing suggest that this variant may create or strengthen a splice site. In summary, the available evidence is currently insufficient to determine the role of this variant in disease. Therefore, it has been classified as a Variant of Uncertain Significance.